The following is an entry in ClinVar:

NM_000321.3(RB1):c.1421+26A>C

Gene: RB1 (RB transcriptional corepressor 1; plus strand). Cytogenetic location: 13q14.2.
Variant type: single nucleotide variant.
Coding change: c.1421+26A>C on transcript NM_000321.3 (MANE Select); 26 bases into the intron after coding-DNA position 1421, A replaced by C.
Molecular consequence: intron variant.
Genome position (GRCh38, 1-based): chr13:48,380,110, A>C. VCF-style: chr13-48380110-A-C. GRCh37 (hg19) VCF-style: chr13-48954246-A-C.
Other names: c.1421+26A>C (NM_001407165.1, NM_001407166.1).
Identifiers: ClinVar variation 4875808 (VCV004875808.2).
Genomic context (GRCh38, chr13:48,380,110, plus strand): 5'-CAGGAAGAAGAACGATTATCCATTCAAAATTTTAGGTAAATTTTTTACTTTTAGTAAAAA[A>C]TTTTTTTCTTTTTATAGAAGTAAGTATTTTATAATCTTTTTTTTTTTCCTTTAGCAAACT-3'

ClinVar aggregate classification (germline): Benign/Likely benign. Review status: criteria provided, multiple submitters, no conflicts (2 of 4 stars). 2 submissions from 2 submitters: Benign (1); Likely benign (1). Last evaluated 2026-06-24.

Conditions:
Retinoblastoma (RB1). Also called: RETINOBLASTOMA, SOMATIC. Identifiers: Orphanet 790, MedGen C0035335, MeSH D012175, MONDO:0008380, OMIM 180200, HP:0009919. Disease mechanism: loss of function. Inheritance: Both sporadic and heritable forms are tested..

gnomAD v4.1: 132 of 1,447,102 alleles (0.0091%); highest among the groups gnomAD compares: Admixed American, 0.07%; no homozygotes.

Submissions (2):

Myriad Genetics, Inc.
Classification: Benign for Retinoblastoma. Last evaluated: 2026-06-24. Review status: criteria provided, single submitter. Criteria: Myriad Autosomal Dominant, Autosomal Recessive and X-Linked Classification Criteria (2023). Collection method: clinical testing. Allele origin: unknown.
Comment: This variant is considered benign. This variant is intronic and is not expected to impact mRNA splicing.

Blueprint Genetics
Classification: Likely benign. Last evaluated: 2024-02-13. Review status: criteria provided, single submitter. Criteria: ACMG Guidelines, 2015. Collection method: clinical testing. Allele origin: germline.